The following is an entry in ClinVar:

NM_145166.4(ZBTB47):c.1101C>A (p.Ser367Arg)

Gene: ZBTB47 (zinc finger and BTB domain containing 47; plus strand). Cytogenetic location: 3p22.1.
Variant type: single nucleotide variant.
Coding change: c.1101C>A on transcript NM_145166.4 (MANE Select); coding-DNA position 1101, C replaced by A.
Protein change: p.Ser367Arg; replaces serine 367 with arginine.
Molecular consequence: missense variant.
Genome position (GRCh38, 1-based): chr3:42,659,456, C>A. VCF-style: chr3-42659456-C-A. GRCh37 (hg19) VCF-style: chr3-42700948-C-A.
Other names: c.1185C>A, p.Ser395Arg (NM_001410746.1); short protein forms S367R, S395R.
Identifiers: ClinVar variation 4540369 (VCV004540369.1).

ClinVar aggregate classification (germline): Uncertain significance (1 of 4 stars; one submission).

Submission:

GeneDx
Classification: Uncertain significance. Last evaluated: 2025-06-23. Review status: criteria provided, single submitter. Criteria: GeneDx Variant Classification Process June 2021. Collection method: clinical testing. Allele origin: germline. Affected: yes.
Comment: Not observed at significant frequency in large population cohorts (gnomAD); In silico analysis suggests that this missense variant does not alter protein structure/function; Has not been previously published as pathogenic or benign to our knowledge